The following is an entry in ClinVar:

ClinVar aggregate classification (germline): Pathogenic. Review status: criteria provided, multiple submitters, no conflicts (2 of 4 stars). 3 submissions from 3 submitters: Pathogenic (3). Last evaluated 2024-02-05.

Conditions:
Hereditary cancer-predisposing syndrome. Also called: Tumor predisposition; Neoplastic Syndromes, Hereditary; Hereditary neoplastic syndrome; Hereditary Cancer Syndrome. Identifiers: Orphanet 140162, MedGen C0027672, MeSH D009386, MONDO:0015356.
Ataxia-telangiectasia syndrome (AT). Also called: Ataxia-telangiectasia, complementation group D; AT, COMPLEMENTATION GROUP C; ATAXIA-TELANGIECTASIA, COMPLEMENTATION GROUP A; ATAXIA-TELANGIECTASIA, FRESNO VARIANT; Ataxia-telangiectasia; Ataxia telangiectasia (A-T). Identifiers: Orphanet 100, MedGen C0004135, MONDO:0008840, OMIM 208900.
Familial cancer of breast. Also called: Hereditary breast cancer; hereditary breast carcinoma; BREAST CANCER, FAMILIAL. Identifiers: Orphanet 227535, MedGen C0346153, MONDO:0016419, OMIM 114480. Disease mechanism: loss of function.

Submissions (3):

Myriad Genetics, Inc.
Classification: Pathogenic for Familial cancer of breast. Last evaluated: 2024-02-05. Review status: criteria provided, single submitter. Criteria: Myriad Autosomal Dominant, Autosomal Recessive and X-Linked Classification Criteria (2023). Collection method: clinical testing. Allele origin: unknown.
Comment: This variant is considered pathogenic. This variant creates a frameshift predicted to result in premature protein truncation.

Labcorp Genetics (formerly Invitae), Labcorp
Classification: Pathogenic for Ataxia-telangiectasia syndrome. Last evaluated: 2020-11-18. Review status: criteria provided, single submitter. Criteria: Invitae Variant Classification Sherloc (09022015). Collection method: clinical testing. Allele origin: germline.
Comment: This variant is not present in population databases (ExAC no frequency). For these reasons, this variant has been classified as Pathogenic. This variant has not been reported in the literature in individuals with ATM-related conditions. ClinVar contains an entry for this variant (Variation ID: 926943). This sequence change creates a premature translational stop signal (p.Ala2893Cysfs*3) in the ATM gene. It is expected to result in an absent or disrupted protein product. Loss-of-function variants in ATM are known to be pathogenic (PMID: 23807571, 25614872).

Color Diagnostics, LLC DBA Color Health
Classification: Pathogenic for Hereditary cancer-predisposing syndrome. Last evaluated: 2019-12-20. Review status: criteria provided, single submitter. Criteria: ACMG Guidelines, 2015. Collection method: clinical testing. Allele origin: germline.
Comment: This variant inserts 1 nucleotide in exon 60 of the ATM gene, creating a frameshift and premature translation stop signal. This variant is expected to result in an absent or non-functional protein product. Splice site prediction tools suggest that this variant may not impact RNA splicing. To our knowledge, functional studies have not been performed for this variant. This variant has not been reported in individuals affected with hereditary cancer in the literature. This variant has not been identified in the general population by the Genome Aggregation Database (gnomAD). Loss of ATM function is a known mechanism of disease. Based on the available evidence, this variant is classified as Pathogenic.

Literature cited by the submitters: PubMed 23807571 (cited by Labcorp Genetics (formerly Invitae), Labcorp); PubMed 25614872 (cited by Labcorp Genetics (formerly Invitae), Labcorp).

NM_000051.4(ATM):c.8676dup (p.Ala2893fs)

Genes: ATM (ATM serine/threonine kinase; plus strand), C11orf65 (chromosome 11 open reading frame 65; minus strand). Cytogenetic location: 11q22.3.
Variant type: Duplication.
Coding change: c.8676dup on transcript NM_000051.4 (MANE Select); coding-DNA position 8676, one base duplicated (T; older notation c.8676dupT).
Protein change: p.Ala2893fs; shifts the reading frame from alanine 2893.
Molecular consequence: frameshift variant. On other transcripts: intron variant (2).
Genome position (GRCh38, 1-based): chr11:108,353,770, T duplicated; the last of 2 consecutive T bases (chr11:108,353,769-108,353,770); duplicating either gives the same sequence. VCF-style (leftmost placement, unchanged base first): chr11-108353768-G-GT. GRCh37 (hg19) VCF-style: chr11-108224495-G-GT.
Other names: c.8676dup, p.Ala2893fs (NM_001351834.2); c.640+32151dup (NM_001330368.2); c.695-18477dup (NM_001351110.2); short protein forms A2893fs.
Identifiers: ClinVar variation 926943 (VCV000926943.11), dbSNP rs2089492486, ClinGen allele CA476673779.